The following is an entry in ClinVar:

NM_032776.3(JMJD1C):c.4663C>T (p.Leu1555Phe)

Gene: JMJD1C (jumonji domain containing 1C; minus strand). Cytogenetic location: 10q21.3.
Variant type: single nucleotide variant.
Coding change: c.4663C>T on transcript NM_032776.3 (MANE Select); coding-DNA position 4663, C replaced by T.
Protein change: p.Leu1555Phe; replaces leucine 1555 with phenylalanine.
Molecular consequence: missense variant. On other transcripts: non-coding transcript variant (1).
Genome position (GRCh38, 1-based): chr10:63,207,006, G>A on the plus strand (C>T on the coding strand, the complement: JMJD1C is on the minus strand). VCF-style: chr10-63207006-G-A. GRCh37 (hg19) VCF-style: chr10-64966766-G-A.
Other names: c.4117C>T, p.Leu1373Phe (NM_001282948.2, NM_001318154.2); c.3799C>T, p.Leu1267Phe (NM_001318153.2); c.4549C>T, p.Leu1517Phe (NM_001322252.2); c.4006C>T, p.Leu1336Phe (NM_001322254.2, NM_001322258.2); short protein forms L1267F, L1336F, L1373F, L1517F, L1555F.
Identifiers: ClinVar variation 1024880 (VCV001024880.10), dbSNP rs1846706626, ClinGen allele CA377036884.

ClinVar aggregate classification (germline): Uncertain significance (1 of 4 stars; one submission).

Conditions:
Early Myoclonic Encephalopathy. Identifiers: MedGen C0270855.

Submission:

Labcorp Genetics (formerly Invitae), Labcorp
Classification: Uncertain significance for Early Myoclonic Encephalopathy. Last evaluated: 2022-03-19. Review status: criteria provided, single submitter. Criteria: Invitae Variant Classification Sherloc (09022015). Collection method: clinical testing. Allele origin: germline.
Comment: In summary, the available evidence is currently insufficient to determine the role of this variant in disease. Therefore, it has been classified as a Variant of Uncertain Significance. This sequence change replaces leucine, which is neutral and non-polar, with phenylalanine, which is neutral and non-polar, at codon 1555 of the JMJD1C protein (p.Leu1555Phe). This variant is not present in population databases (gnomAD no frequency). This variant has not been reported in the literature in individuals affected with JMJD1C-related conditions. ClinVar contains an entry for this variant (Variation ID: 1024880). Algorithms developed to predict the effect of missense changes on protein structure and function are either unavailable or do not agree on the potential impact of this missense change (SIFT: "Deleterious"; PolyPhen-2: "Probably Damaging"; Align-GVGD: "Class C0").